The following is an entry in ClinVar:

ClinVar aggregate classification (germline): Conflicting classifications of pathogenicity. Review status: criteria provided, conflicting classifications (1 of 4 stars). 5 submissions from 5 submitters: Uncertain significance (4); Likely benign (1). Last evaluated 2026-08-18.

Conditions:
Myofibrillar myopathy 6. Identifiers: Orphanet 199340, MedGen C2751831, MONDO:0013061, OMIM 612954.
Dilated cardiomyopathy 1HH (CMD1HH). Identifiers: Orphanet 154, MedGen C3151293, MONDO:0013479, OMIM 613881.
Cardiovascular phenotype. Identifiers: MedGen CN230736.

Allele frequency attached by ClinVar (database versions not stated): gnomAD 0.00002 and below 0.00001; ExAC 0.00003; 1000 Genomes Project 30x 0.00031; 1000 Genomes Project 0.00040; gnomAD exomes 0.00001.

Submissions (5):

Ambry Genetics
Classification: Uncertain significance for Cardiovascular phenotype. Last evaluated: 2026-08-18. Review status: criteria provided, single submitter. Criteria: Ambry Variant Classification Scheme 2023. Collection method: clinical testing. Allele origin: germline.
Comment: The p.G167R variant (also known as c.499G>A), located in coding exon 2 of the BAG3 gene, results from a G to A substitution at nucleotide position 499. The glycine at codon 167 is replaced by arginine, an amino acid with dissimilar properties. This amino acid position is not well conserved in available vertebrate species. In addition, this alteration is predicted to be tolerated by in silico analysis. Based on the available evidence, the clinical significance of this variant remains unclear.

Labcorp Genetics (formerly Invitae), Labcorp
Classification: Uncertain significance for Dilated cardiomyopathy 1HH; Myofibrillar myopathy 6. Last evaluated: 2025-10-24. Review status: criteria provided, single submitter. Criteria: Invitae Variant Classification Sherloc (09022015). Collection method: clinical testing. Allele origin: germline.
Comment: This sequence change replaces glycine, which is neutral and non-polar, with arginine, which is basic and polar, at codon 167 of the BAG3 protein (p.Gly167Arg). This variant is present in population databases (rs543720798, gnomAD 0.01%). This variant has not been reported in the literature in individuals affected with BAG3-related conditions. ClinVar contains an entry for this variant (Variation ID: 518786). Invitae Evidence Modeling of protein sequence and biophysical properties (such as structural, functional, and spatial information, amino acid conservation, physicochemical variation, residue mobility, and thermodynamic stability) indicates that this missense variant is not expected to disrupt BAG3 protein function with a negative predictive value of 80%. In summary, the available evidence is currently insufficient to determine the role of this variant in disease. Therefore, it has been classified as a Variant of Uncertain Significance.

GeneDx
Classification: Uncertain significance. Last evaluated: 2024-08-21. Review status: criteria provided, single submitter. Criteria: GeneDx Variant Classification Process June 2021. Collection method: clinical testing. Allele origin: germline. Affected: yes.
Comment: Has not been previously published as pathogenic or benign in association with a BAG3-related disorder to our knowledge; In silico analysis supports that this missense variant has a deleterious effect on protein structure/function; This variant is associated with the following publications: (PMID: 31983221)

Blueprint Genetics
Classification: Likely benign. Last evaluated: 2020-12-26. Review status: criteria provided, single submitter. Criteria: ACMG Guidelines, 2015. Collection method: clinical testing. Allele origin: germline.

Revvity Omics, Revvity
Classification: Uncertain significance. Last evaluated: 2019-07-16. Review status: criteria provided, single submitter. Criteria: ACMG Guidelines, 2015. Collection method: clinical testing. Allele origin: germline.

NM_004281.4(BAG3):c.499G>A (p.Gly167Arg)

Gene: BAG3 (BAG cochaperone 3; plus strand). Cytogenetic location: 10q26.11.
Variant type: single nucleotide variant.
Coding change: c.499G>A on transcript NM_004281.4 (MANE Select); coding-DNA position 499, G replaced by A.
Protein change: p.Gly167Arg; replaces glycine 167 with arginine.
Molecular consequence: missense variant.
Genome position (GRCh38, 1-based): chr10:119,670,169, G>A. VCF-style: chr10-119670169-G-A. GRCh37 (hg19) VCF-style: chr10-121429681-G-A.
Other names: short protein forms G167R.
Identifiers: ClinVar variation 518786 (VCV000518786.16), dbSNP rs543720798, ClinGen allele CA5716336.